The following is an entry in ClinVar:

ClinVar aggregate classification (germline): Uncertain significance (1 of 4 stars; one submission).

Conditions:
Familial thoracic aortic aneurysm and aortic dissection (TAAD). Also called: Thoracic aortic aneurysms and dissections. Identifiers: Orphanet 91387, MedGen C4707243, MONDO:0019625.

Submission:

Ambry Genetics
Classification: Uncertain significance for Familial thoracic aortic aneurysm and aortic dissection. Last evaluated: 2026-01-16. Review status: criteria provided, single submitter. Criteria: Ambry Variant Classification Scheme 2023. Collection method: clinical testing. Allele origin: germline.
Comment: The p.W2092R variant (also known as c.6274T>A), located in coding exon 50 of the FBN1 gene, results from a T to A substitution at nucleotide position 6274. The tryptophan at codon 2092 is replaced by arginine, an amino acid with dissimilar properties. This variant was reported in individual(s) with features consistent with Marfan syndrome (Li J et al. Sci China Life Sci, 2019 Dec;62:1630-1637). This amino acid position is highly conserved in available vertebrate species. In addition, this alteration is predicted to be deleterious by in silico analysis. Based on the available evidence, the clinical significance of this variant remains unclear.

Literature cited by the submitters: PubMed 31098894.

NM_000138.5(FBN1):c.6274T>A (p.Trp2092Arg)

Gene: FBN1 (fibrillin 1; minus strand). Cytogenetic location: 15q21.1.
Variant type: single nucleotide variant.
Coding change: c.6274T>A on transcript NM_000138.5 (MANE Select); coding-DNA position 6274, T replaced by A.
Protein change: p.Trp2092Arg; replaces tryptophan 2092 with arginine.
Molecular consequence: missense variant.
Genome position (GRCh38, 1-based): chr15:48,437,807, A>T on the plus strand (T>A on the coding strand, the complement: FBN1 is on the minus strand). VCF-style: chr15-48437807-A-T. GRCh37 (hg19) VCF-style: chr15-48730004-A-T.
Other names: c.6274T>A, p.Trp2092Arg (NM_001406716.1); short protein forms W2092R.
Identifiers: ClinVar variation 1752559 (VCV001752559.3), dbSNP rs794728246, ClinGen allele CA392336973.